The following is an entry in ClinVar:

ClinVar aggregate classification (germline): Pathogenic (1 of 4 stars; one submission).

Submission:

Labcorp Genetics (formerly Invitae), Labcorp
Classification: Pathogenic. Last evaluated: 2022-08-09. Review status: criteria provided, single submitter. Criteria: Invitae Variant Classification Sherloc (09022015). Collection method: clinical testing. Allele origin: germline.
Comment: For these reasons, this variant has been classified as Pathogenic. Algorithms developed to predict the effect of sequence changes on RNA splicing suggest that this variant may create or strengthen a splice site. This variant has not been reported in the literature in individuals affected with EYS-related conditions. This variant is not present in population databases (gnomAD no frequency). This sequence change creates a premature translational stop signal (p.Cys2216Valfs*8) in the EYS gene. It is expected to result in an absent or disrupted protein product. Loss-of-function variants in EYS are known to be pathogenic (PMID: 18836446, 20333770).

Literature cited by the submitters: PubMed 18836446; PubMed 20333770.

NM_001142800.2(EYS):c.6645del (p.Cys2216fs)

Gene: EYS (EGF-like photoreceptor maintenance factor; minus strand). Cytogenetic location: 6q12.
Variant type: Deletion.
Coding change: c.6645del on transcript NM_001142800.2 (MANE Select); coding-DNA position 6645, one base deleted (G; older notation c.6645delG).
Protein change: p.Cys2216fs; shifts the reading frame from cysteine 2216.
Molecular consequence: frameshift variant.
Genome position (GRCh38, 1-based): chr6:64,066,418, C deleted on the plus strand (G on the coding strand, the reverse complement: EYS is on the minus strand); the first of 3 consecutive C bases (chr6:64,066,418-64,066,420); deleting any one gives the same sequence. VCF-style (leftmost placement, unchanged base first): chr6-64066417-AC-A. GRCh37 (hg19) VCF-style: chr6-64776310-AC-A.
Other names: c.6645del, p.Cys2216fs (NM_001292009.2); short protein forms C2216fs.
Identifiers: ClinVar variation 2076182 (VCV002076182.4), dbSNP rs2533552461, ClinGen allele CA2580075631.